The following is an entry in ClinVar:

NM_014014.5(SNRNP200):c.3341T>C (p.Leu1114Pro)

Gene: SNRNP200 (small nuclear ribonucleoprotein U5 subunit 200; minus strand). Cytogenetic location: 2q11.2.
Variant type: single nucleotide variant.
Coding change: c.3341T>C on transcript NM_014014.5 (MANE Select); coding-DNA position 3341, T replaced by C.
Protein change: p.Leu1114Pro; replaces leucine 1114 with proline.
Molecular consequence: missense variant.
Genome position (GRCh38, 1-based): chr2:96,287,887, A>G on the plus strand (T>C on the coding strand, the complement: SNRNP200 is on the minus strand). VCF-style: chr2-96287887-A-G. GRCh37 (hg19) VCF-style: chr2-96953625-A-G.
Other names: short protein forms L1114P.
Identifiers: ClinVar variation 3376710 (VCV003376710.2).

ClinVar aggregate classification (germline): Uncertain significance. Review status: criteria provided, multiple submitters, no conflicts (2 of 4 stars). 2 submissions from 2 submitters: Uncertain significance (2). Last evaluated 2024-10-29.

Conditions:
SNRNP200-related retinal disorder.
Retinitis pigmentosa 33 (RP33). Identifiers: Orphanet 791, MedGen C1835895, MONDO:0012477, OMIM 610359.

Submissions (2):

3billion
Classification: Uncertain significance for SNRNP200-related retinal disorder. Last evaluated: 2024-10-29. Review status: criteria provided, single submitter. Criteria: ACMG Guidelines, 2015. Collection method: clinical testing. Allele origin: germline. Affected: yes.
Comment: The variant is not observed in the gnomAD v4.1.0 dataset. Predicted Consequence/Location: Missense variant. Missense changes are a common disease-causing mechanism. In silico tool predictions suggest damaging effect of the variant on gene or gene product [REVEL: 0.89 (>=0.6, sensitivity 0.68 and specificity 0.92); 3Cnet: 0.84 (>=0.6, sensitivity 0.72 and precision 0.9)]. The same nucleotide change resulting in the same amino acid change has been previously reported to be associated with SNRNP200 related disorder (PMID: 33429167). However, the evidence of pathogenicity is insufficient at this time. Therefore, this variant is classified as VUS according to the recommendation of ACMG/AMP guideline.

Victorian Clinical Genetics Services, Murdoch Childrens Research Institute
Classification: Uncertain significance for Retinitis pigmentosa 33. Last evaluated: 2020-07-02. Review status: criteria provided, single submitter. Criteria: ACMG Guidelines, 2015. Collection method: clinical testing. Allele origin: germline. Affected: yes.
Comment: Based on the classification scheme VCGS_Germline_v1.1.1, this variant is classified as 3B-VUS. Following criteria are met: 0105 - The mechanism of disease for this gene is not clearly established. (N) 0108 - This gene is known to be associated with both recessive and dominant disease. However, no clear genotype-phenotype correlation has been established. (N) 0200 - Variant is predicted to result in a missense amino acid change from leucine to proline (exon 25). (N) 0251 - Variant is heterozygous. (N) 0301 - Variant is absent from gnomAD. (P) 0502 - Missense variant with conflicting in silico predictions and/or uninformative conservation. (N) 0600 - Variant is located in an annotated domain or motif (Sec63 domain; PDB, DECIPHER). (N) 0705 - No comparable variants have previous evidence for pathogenicity. (N) 0807 - Variant has not previously been reported in a clinical context. (N) 0905 - No segregation evidence has been identified for this variant. (N) 1007 - No published functional evidence has been identified for this variant. (N) 1208 - Inheritance information for this variant is not currently available. (N) Legend: (P) - Pathogenic, (N) - Neutral, (B) - Benign

Literature cited by the submitters: PubMed 33429167 (cited by 3billion).